The following is an entry in ClinVar:

NM_001985.3(ETFB):c.166A>C (p.Lys56Gln)

Gene: ETFB (electron transfer flavoprotein subunit beta; minus strand). Cytogenetic location: 19q13.41.
Variant type: single nucleotide variant.
Coding change: c.166A>C on transcript NM_001985.3 (MANE Select); coding-DNA position 166, A replaced by C.
Protein change: p.Lys56Gln; replaces lysine 56 with glutamine.
Molecular consequence: missense variant.
Genome position (GRCh38, 1-based): chr19:51,354,200, T>G on the plus strand (A>C on the coding strand, the complement: ETFB is on the minus strand). VCF-style: chr19-51354200-T-G. GRCh37 (hg19) VCF-style: chr19-51857454-T-G.
Other names: c.166A>C (NM_001985.2); c.439A>C, p.Lys147Gln (NM_001014763.1); short protein forms K147Q, K56Q.
Identifiers: ClinVar variation 2415993 (VCV002415993.6), dbSNP rs757088247, ClinGen allele CA9610849.
Genomic context (GRCh38, chr19:51,354,200, plus strand): 5'-CCTTCATCACCTGGCACTGTGCAGGCCCACAGCTGACGGCGATGACCTCCTTCACCAGCT[T>G]CTTCTCCTTGAGCCGCACAGCCTCCTCCACCGCGATCTCACAGAAGGGGTTCATGGAGTG-3'
Protein context (NP_001976.1, residues 46-66): VEEAVRLKEK[Lys56Gln]LVKEVIAVSC

ClinVar aggregate classification (germline): Uncertain significance. Review status: criteria provided, multiple submitters, no conflicts (2 of 4 stars). 2 submissions from 2 submitters: Uncertain significance (2). Last evaluated 2025-08-29.

Conditions:
Inborn genetic diseases. Identifiers: MedGen C0950123, MeSH D030342.
Multiple acyl-CoA dehydrogenase deficiency (MADD). Also called: Glutaric aciduria, type 2; Glutaric acidemia type II; GA 2; ETHYLMALONIC-ADIPICACIDURIA; GA II; Glutaric Acidemia type 2. Identifiers: Orphanet 26791, MedGen C0268596, MONDO:0009282, OMIM 231680.

Allele frequency attached by ClinVar (database versions not stated): ExAC 0.00001; gnomAD exomes 0.00001; TOPMed 0.00003; gnomAD 0.00007.
gnomAD v4.1: 27 of 1,614,052 alleles (0.0017%); highest among the groups gnomAD compares: Middle Eastern, 0.016%; no homozygotes.

Submissions (2):

Ambry Genetics
Classification: Uncertain significance for Inborn genetic diseases. Last evaluated: 2025-08-29. Review status: criteria provided, single submitter. Criteria: Ambry Variant Classification Scheme 2023. Collection method: clinical testing. Allele origin: germline.

Labcorp Genetics (formerly Invitae), Labcorp
Classification: Uncertain significance for Multiple acyl-CoA dehydrogenase deficiency. Last evaluated: 2022-04-10. Review status: criteria provided, single submitter. Criteria: Invitae Variant Classification Sherloc (09022015). Collection method: clinical testing. Allele origin: germline.
Comment: This sequence change replaces lysine, which is basic and polar, with glutamine, which is neutral and polar, at codon 56 of the ETFB protein (p.Lys56Gln). This variant is present in population databases (rs757088247, gnomAD 0.02%). This variant has not been reported in the literature in individuals affected with ETFB-related conditions. Algorithms developed to predict the effect of missense changes on protein structure and function are either unavailable or do not agree on the potential impact of this missense change (SIFT: "Deleterious"; PolyPhen-2: "Possibly Damaging"; Align-GVGD: "Class C0"). In summary, the available evidence is currently insufficient to determine the role of this variant in disease. Therefore, it has been classified as a Variant of Uncertain Significance.